The following is an entry in ClinVar:

NM_006303.4(AIMP2):c.315G>A (p.Ala105=)

Gene: AIMP2 (aminoacyl tRNA synthetase complex interacting multifunctional protein 2; plus strand). Cytogenetic location: 7p22.1.
Variant type: single nucleotide variant.
Coding change: c.315G>A on transcript NM_006303.4 (MANE Select); coding-DNA position 315, G replaced by A.
Protein change: p.Ala105=; no amino-acid change (alanine 105 retained).
Molecular consequence: synonymous variant. On other transcripts: intron variant (1).
Genome position (GRCh38, 1-based): chr7:6,015,325, G>A. VCF-style: chr7-6015325-G-A. GRCh37 (hg19) VCF-style: chr7-6054956-G-A.
Other names: c.195G>A, p.Ala65= (NM_001326606.2); c.81G>A, p.Ala27= (NM_001326609.2, NM_001326610.2, NM_001326611.3); c.228G>A, p.Ala76= (NM_001362785.2); c.183G>A, p.Ala61= (NM_001362787.2); c.136-2489G>A (NM_001326607.2).
Identifiers: ClinVar variation 3341735 (VCV003341735.18).

ClinVar aggregate classification (germline): Likely benign. Review status: criteria provided, multiple submitters, no conflicts (2 of 4 stars). 2 submissions from 2 submitters: Likely benign (2). Last evaluated 2025-01-15.

gnomAD v4.1: 15 of 1,614,030 alleles (0.00093%); highest among the groups gnomAD compares: Admixed American, 0.0067%; no homozygotes.

Submissions (2):

Labcorp Genetics (formerly Invitae), Labcorp
Classification: Likely benign. Last evaluated: 2025-01-15. Review status: criteria provided, single submitter. Criteria: Invitae Variant Classification Sherloc (09022015). Collection method: clinical testing. Allele origin: germline.

CeGaT Center for Human Genetics Tuebingen
Classification: Likely benign. Last evaluated: 2024-08-01. Review status: criteria provided, single submitter. Criteria: CeGaT Center For Human Genetics Tuebingen Variant Classification Criteria Version 2. Collection method: clinical testing. Allele origin: germline. Affected: yes. Observed: 1 variant allele.
Comment: AIMP2: BP4, BP7